The following is an entry in ClinVar:

ClinVar aggregate classification (germline): Pathogenic (1 of 4 stars; one submission).

Conditions:
Early-infantile DEE. Also called: Ohtahara syndrome; Early infantile epileptic encephalopathy with suppression bursts; Early infantile epileptic encephalopathy. Identifiers: Orphanet 1934, MedGen C0393706, MONDO:0800491.

Submission:

Labcorp Genetics (formerly Invitae), Labcorp
Classification: Pathogenic for Early-infantile DEE. Last evaluated: 2022-07-26. Review status: criteria provided, single submitter. Criteria: Invitae Variant Classification Sherloc (09022015). Collection method: clinical testing. Allele origin: germline.
Comment: For these reasons, this variant has been classified as Pathogenic. This variant disrupts the p.Val1428 amino acid residue in SCN1A. Other variant(s) that disrupt this residue have been determined to be pathogenic (PMID: 11524484; Invitae). This suggests that this residue is clinically significant, and that variants that disrupt this residue are likely to be disease-causing. Algorithms developed to predict the effect of missense changes on protein structure and function (SIFT, PolyPhen-2, Align-GVGD) all suggest that this variant is likely to be disruptive. ClinVar contains an entry for this variant (Variation ID: 1069950). This missense change has been observed in individual(s) with clinical features of SCN1A-related conditions (Invitae). In at least one individual the variant was observed to be de novo. This variant is not present in population databases (gnomAD no frequency). This sequence change replaces valine, which is neutral and non-polar, with aspartic acid, which is acidic and polar, at codon 1428 of the SCN1A protein (p.Val1428Asp).

Literature cited by the submitters: PubMed 11524484.

NM_001165963.4(SCN1A):c.4283T>A (p.Val1428Asp)

Genes: SCN1A (sodium voltage-gated channel alpha subunit 1; minus strand), LOC102724058 (uncharacterized LOC102724058; plus strand). Cytogenetic location: 2q24.3.
Variant type: single nucleotide variant.
Coding change: c.4283T>A on transcript NM_001165963.4 (MANE Select); coding-DNA position 4283, T replaced by A.
Protein change: p.Val1428Asp; replaces valine 1428 with aspartic acid.
Molecular consequence: missense variant. On other transcripts: non-coding transcript variant (1).
Genome position (GRCh38, 1-based): chr2:166,002,473, A>T on the plus strand (T>A on the coding strand, the complement: SCN1A is on the minus strand). VCF-style: chr2-166002473-A-T. GRCh37 (hg19) VCF-style: chr2-166858983-A-T.
Other names: c.4199T>A, p.Val1400Asp (NM_001165964.3, NM_001353957.2, NM_001353958.2); c.4283T>A, p.Val1428Asp (NM_001202435.3, NM_001353948.2); c.4250T>A, p.Val1417Asp (NM_001353949.2, NM_001353950.2, NM_001353951.2 and 2 more transcripts); c.4247T>A, p.Val1416Asp (NM_001353954.2, NM_001353955.2); c.4196T>A, p.Val1399Asp (NM_001353960.2); c.1841T>A, p.Val614Asp (NM_001353961.2); short protein forms V1399D, V1400D, V1416D, V1417D, V1428D, V614D.
Identifiers: ClinVar variation 1069950 (VCV001069950.10), dbSNP rs121918627, ClinGen allele CA349049864.